The following is an entry in ClinVar:

ClinVar aggregate classification (germline): Benign/Likely benign. Review status: criteria provided, multiple submitters, no conflicts (2 of 4 stars). 5 submissions from 2 submitters: Benign (4); Likely benign (1). Last evaluated 2021-05-13.

Conditions:
Charcot-Marie-Tooth disease dominant intermediate D. Also called: CHARCOT-MARIE-TOOTH NEUROPATHY, DOMINANT INTERMEDIATE D; Charcot-Marie-Tooth disease dominant intermediate 3; CMT DI3. Identifiers: Orphanet 100046, MedGen C1843075, MONDO:0011909, OMIM 607791.
Charcot-Marie-Tooth disease type 1B. Also called: CHARCOT-MARIE-TOOTH DISEASE, AUTOSOMAL DOMINANT, WITH FOCALLY FOLDED MYELIN SHEATHS, TYPE 1B; CHARCOT-MARIE-TOOTH DISEASE, SLOW NERVE CONDUCTION TYPE, LINKED TO DUFFY; CHARCOT-MARIE-TOOTH NEUROPATHY, TYPE 1B; HEREDITARY MOTOR AND SENSORY NEUROPATHY I; HEREDITARY MOTOR AND SENSORY NEUROPATHY IB; PERONEAL MUSCULAR ATROPHY. Identifiers: Orphanet 101082, MedGen C0270912, MONDO:0007307, OMIM 118200.
Roussy-Lévy syndrome. Also called: Roussy-Levy Syndrome; Roussy Levy hereditary areflexic dystasia; Roussy-Levy disease; Hereditary areflexic dystasia. Identifiers: Orphanet 3115, MedGen C0205713, MONDO:0008392, OMIM 180800.
Neuropathy, congenital hypomyelinating, 2. Identifiers: MedGen C4722277, MONDO:0020765, OMIM 618184.

Allele frequency attached by ClinVar (database versions not stated): gnomAD 0.01432 and 0.01537; TOPMed 0.01623; 1000 Genomes Project 0.01897; 1000 Genomes Project 30x 0.01999.

Submissions (5):

GeneDx
Classification: Benign. Last evaluated: 2021-05-13. Review status: criteria provided, single submitter. Criteria: GeneDx Variant Classification Process June 2021. Collection method: clinical testing. Allele origin: germline. Affected: yes.

Illumina Laboratory Services, Illumina
Classification: Benign for Charcot-Marie-Tooth disease type 1B. Last evaluated: 2018-01-12. Review status: criteria provided, single submitter. Criteria: ICSL Variant Classification Criteria 13 December 2019. Collection method: clinical testing. Allele origin: germline.
Comment: This variant was observed in the ICSL laboratory as part of a predisposition screen in an ostensibly healthy population. It had not been previously curated by ICSL or reported in the Human Gene Mutation Database (HGMD: prior to June 1st, 2018), and was therefore a candidate for classification through an automated scoring system. Utilizing variant allele frequency, disease prevalence and penetrance estimates, and inheritance mode, an automated score was calculated to assess if this variant is too frequent to cause the disease. Based on the score and internal cut-off values, a variant classified as benign is not then subjected to further curation. The score for this variant resulted in a classification of benign for this disease.

Illumina Laboratory Services, Illumina
Classification: Benign for Charcot-Marie-Tooth disease dominant intermediate D. Last evaluated: 2018-01-12. Review status: criteria provided, single submitter. Criteria: ICSL Variant Classification Criteria 13 December 2019. Collection method: clinical testing. Allele origin: germline.
Comment: the same text as in the submission from Illumina Laboratory Services, Illumina above.

Illumina Laboratory Services, Illumina
Classification: Likely benign for Neuropathy, congenital hypomyelinating, 2. Last evaluated: 2018-01-12. Review status: criteria provided, single submitter. Criteria: ICSL Variant Classification Criteria 13 December 2019. Collection method: clinical testing. Allele origin: germline.
Comment: This variant was observed in the ICSL laboratory as part of a predisposition screen in an ostensibly healthy population. It had not been previously curated by ICSL or reported in the Human Gene Mutation Database (HGMD: prior to June 1st, 2018), and was therefore a candidate for classification through an automated scoring system. Utilizing variant allele frequency, disease prevalence and penetrance estimates, and inheritance mode, an automated score was calculated to assess if this variant is too frequent to cause the disease. Based on the score and internal cut-off values, a variant classified as likely benign is not then subjected to further curation. The score for this variant resulted in a classification of likely benign for this disease.

Illumina Laboratory Services, Illumina
Classification: Benign for Roussy-Lévy syndrome. Last evaluated: 2018-01-12. Review status: criteria provided, single submitter. Criteria: ICSL Variant Classification Criteria 13 December 2019. Collection method: clinical testing. Allele origin: germline.
Comment: the same text as in the submission from Illumina Laboratory Services, Illumina above.

NM_000530.8(MPZ):c.*624C>T

Gene: MPZ (myelin protein zero; minus strand). Cytogenetic location: 1q23.3.
Variant type: single nucleotide variant.
Coding change: c.*624C>T on transcript NM_000530.8 (MANE Select); 624 bases downstream of the stop codon, C replaced by T.
Molecular consequence: 3 prime UTR variant.
Genome position (GRCh38, 1-based): chr1:161,305,252, G>A on the plus strand (C>T on the coding strand, the complement: MPZ is on the minus strand). VCF-style: chr1-161305252-G-A. GRCh37 (hg19) VCF-style: chr1-161275042-G-A.
Other names: c.*624C>T (LRG_256t1); c.*432C>T (NM_001315491.2).
Identifiers: ClinVar variation 293307 (VCV000293307.7), dbSNP rs60821801, ClinGen allele CA10608567.